The following is an entry in ClinVar:

ClinVar aggregate classification (germline): Uncertain significance (1 of 4 stars; one submission).

Conditions:
Familial adenomatous polyposis 1 (FAP1). Also called: FAMILIAL ADENOMATOUS POLYPOSIS 1, ATTENUATED; POLYPOSIS, ADENOMATOUS INTESTINAL. Identifiers: MedGen C2713442, MONDO:0021056, OMIM 175100. Disease mechanism: loss of function.

Allele frequency attached by ClinVar (database versions not stated): gnomAD exomes 0.00001.

Submission:

Labcorp Genetics (formerly Invitae), Labcorp
Classification: Uncertain significance for Familial adenomatous polyposis 1. Last evaluated: 2023-08-15. Review status: criteria provided, single submitter. Criteria: Invitae Variant Classification Sherloc (09022015). Collection method: clinical testing. Allele origin: germline.
Comment: Experimental studies and prediction algorithms are not available or were not evaluated, and the functional significance of this variant is currently unknown. In summary, the available evidence is currently insufficient to determine the role of this variant in disease. Therefore, it has been classified as a Variant of Uncertain Significance. This variant has not been reported in the literature in individuals affected with APC-related conditions. This variant is present in population databases (no rsID available, gnomAD 0.01%). This variant occurs in a non-coding region of the APC gene. It does not change the encoded amino acid sequence of the APC protein.

NM_001127511.3(APC):c.20C>T (p.Ser7Leu)

Gene: APC (APC regulator of Wnt signaling pathway; plus strand). Cytogenetic location: 5q22.2.
Variant type: single nucleotide variant.
Coding change: c.20C>T on transcript NM_001127511.3; coding-DNA position 20, C replaced by T.
Protein change: p.Ser7Leu; replaces serine 7 with leucine.
Molecular consequence: missense variant. On other transcripts: 5 prime UTR variant (8), non-coding transcript variant (1), intron variant (5).
Genome position (GRCh38, 1-based): chr5:112,707,737, C>T. VCF-style: chr5-112707737-C-T. GRCh37 (hg19) VCF-style: chr5-112043434-C-T.
Other names: c.-164C>T (NM_001354895.2, NM_001407447.1, NM_001407452.1 and 3 more transcripts); c.20C>T, p.Ser7Leu (NM_001354897.2, NM_001354902.2, NM_001407446.1); c.-1199C>T (NM_001407470.1, NM_001407472.1); c.-19+88C>T (NM_001407448.1, NM_001407450.1, NM_001407457.1 and 1 more transcripts); c.-43+88C>T (NM_001407453.1); short protein forms S7L.
Identifiers: ClinVar variation 999712 (VCV000999712.8), dbSNP rs1402688776, ClinGen allele CA360611630.
Genomic context (GRCh38, chr5:112,707,737, plus strand): 5'-GGTGAAGCACTCAGTTGCCTTCTCGGGCCTCGGCGCCCCCTATGTACGCCTCCCTGGGCT[C>T]GGGTCCGGTCGCCCCTTTGCCCGCTTCTGTACCACCCTCAGTTCTCGGGTCCTGGAGCAC-3'